The following is an entry in ClinVar:

ClinVar aggregate classification (germline): Benign/Likely benign. Review status: criteria provided, multiple submitters, no conflicts (2 of 4 stars). 10 submissions from 10 submitters: Benign (8); Likely benign (1). 1 of the submissions does not count toward it. Last evaluated 2026-02-04.

Conditions:
Familial hypokalemia-hypomagnesemia (GTLMNS). Also called: gitelman syndrome; POTASSIUM AND MAGNESIUM DEPLETION; HYPOMAGNESEMIA-HYPOKALEMIA, PRIMARY RENOTUBULAR, WITH HYPOCALCIURIA. Identifiers: Orphanet 358, MedGen C0268450, MONDO:0009904, OMIM 263800.

Allele frequency attached by ClinVar (database versions not stated): ESP Exome Variant Server 0.03632; gnomAD 0.04172 and 0.04188; TOPMed 0.04237; 1000 Genomes Project 0.05571; 1000 Genomes Project 30x 0.05621.
gnomAD v4.1: 44,596 of 1,614,210 alleles (2.8%); highest among the groups gnomAD compares: African/African-American, 7.4%; 851 homozygotes.

Submissions (10):

Labcorp Genetics (formerly Invitae), Labcorp
Classification: Benign. Last evaluated: 2026-02-04. Review status: criteria provided, single submitter. Criteria: Invitae Variant Classification Sherloc (09022015). Collection method: clinical testing. Allele origin: germline.

Blueprint Genetics
Classification: Likely benign. Last evaluated: 2024-11-27. Review status: criteria provided, single submitter. Criteria: ACMG Guidelines, 2015. Collection method: clinical testing. Allele origin: germline.

Mayo Clinic Laboratories, Mayo Clinic
Classification: Benign. Last evaluated: 2022-03-09. Review status: criteria provided, single submitter. Criteria: ACMG Guidelines, 2015. Collection method: clinical testing. Allele origin: germline. Observed: 8 variant alleles.

Genome-Nilou Lab
Classification: Benign for Familial hypokalemia-hypomagnesemia. Last evaluated: 2021-07-10. Review status: criteria provided, single submitter. Criteria: ACMG Guidelines, 2015. Collection method: clinical testing. Allele origin: germline. Affected: no.

GeneDx
Classification: Benign. Last evaluated: 2019-10-02. Review status: criteria provided, single submitter. Criteria: GeneDx Variant Classification Process June 2021. Collection method: clinical testing. Allele origin: germline. Affected: yes.

Illumina Laboratory Services, Illumina
Classification: Benign for Familial hypokalemia-hypomagnesemia. Last evaluated: 2018-01-13. Review status: criteria provided, single submitter. Criteria: ICSL Variant Classification Criteria 13 December 2019. Collection method: clinical testing. Allele origin: germline.
Comment: This variant was observed in the ICSL laboratory as part of a predisposition screen in an ostensibly healthy population. It had not been previously curated by ICSL or reported in the Human Gene Mutation Database (HGMD: prior to June 1st, 2018), and was therefore a candidate for classification through an automated scoring system. Utilizing variant allele frequency, disease prevalence and penetrance estimates, and inheritance mode, an automated score was calculated to assess if this variant is too frequent to cause the disease. Based on the score and internal cut-off values, a variant classified as benign is not then subjected to further curation. The score for this variant resulted in a classification of benign for this disease.

Athena Diagnostics
Classification: Benign for Familial hypokalemia-hypomagnesemia. Last evaluated: 2017-06-29. Review status: criteria provided, single submitter. Criteria: Athena Diagnostics Criteria. Collection method: clinical testing. Allele origin: germline.

Breakthrough Genomics
Classification: Benign. Review status: criteria provided, single submitter. Criteria: ACMG Guidelines, 2015. Collection method: not provided. Allele origin: germline. Inheritance: Autosomal recessive inheritance. Affected: yes.

PreventionGenetics, part of Exact Sciences
Classification: Benign. Review status: criteria provided, single submitter. Criteria: ACMG Guidelines, 2015. Collection method: clinical testing. Allele origin: germline.

Natera, Inc.
Classification: Benign for Gitelman syndrome. Last evaluated: 2020-09-16. Review status: no assertion criteria provided. Collection method: clinical testing. Allele origin: germline. Not counted in ClinVar's aggregate classification.

Literature cited by the submitters: PubMed 21631963 (cited by Athena Diagnostics).

NM_001126108.2(SLC12A3):c.1023C>T (p.Phe341=)

Gene: SLC12A3 (solute carrier family 12 member 3; plus strand). Cytogenetic location: 16q13.
Variant type: single nucleotide variant.
Coding change: c.1023C>T on transcript NM_001126108.2 (MANE Select); coding-DNA position 1023, C replaced by T.
Protein change: p.Phe341=; no amino-acid change (phenylalanine 341 retained).
Molecular consequence: synonymous variant.
Genome position (GRCh38, 1-based): chr16:56,872,714, C>T. VCF-style: chr16-56872714-C-T. GRCh37 (hg19) VCF-style: chr16-56906626-C-T.
Other names: p.Phe341=; c.1023C>T, p.Phe341= (NM_000339.3); c.1020C>T, p.Phe340= (NM_001126107.2).
Identifiers: ClinVar variation 255876 (VCV000255876.24), dbSNP rs2229209, ClinGen allele CA8069300.